The following is an entry in ClinVar:

ClinVar aggregate classification (germline): Benign/Likely benign. Review status: criteria provided, multiple submitters, no conflicts (2 of 4 stars). 3 submissions from 3 submitters: Benign (1); Likely benign (2). Last evaluated 2025-10-07.

Conditions:
Renal cell carcinoma. Identifiers: Orphanet 217071, MedGen C0007134, MeSH D002292, MONDO:0005086, HP:0005584.
Hereditary cancer-predisposing syndrome. Also called: Hereditary neoplastic syndrome; Hereditary Cancer Syndrome; Tumor predisposition; Neoplastic Syndromes, Hereditary. Identifiers: Orphanet 140162, MedGen C0027672, MeSH D009386, MONDO:0015356.
Papillary renal cell carcinoma type 1 (RCCP1). Also called: Renal adenocarcinoma; Renal cell carcinoma 1; Renal cell carcinoma, somatic; RENAL CELL CARCINOMA, PAPILLARY, 1, SOMATIC. Identifiers: Orphanet 47044, MedGen C1336839, OMIM 605074, HP:0011797.

Allele frequency attached by ClinVar (database versions not stated): TOPMed 0.00001.

Submissions (3):

Labcorp Genetics (formerly Invitae), Labcorp
Classification: Likely benign for Renal cell carcinoma. Last evaluated: 2025-10-07. Review status: criteria provided, single submitter. Criteria: Invitae Variant Classification Sherloc (09022015). Collection method: clinical testing. Allele origin: germline.

Myriad Genetics, Inc.
Classification: Benign for Papillary renal cell carcinoma type 1. Last evaluated: 2024-11-15. Review status: criteria provided, single submitter. Criteria: Myriad Autosomal Dominant, Autosomal Recessive and X-Linked Classification Criteria (2023). Collection method: clinical testing. Allele origin: unknown.
Comment: This variant is considered benign. This variant is a silent/synonymous amino acid change and it is not expected to impact splicing.

Ambry Genetics
Classification: Likely benign for Hereditary cancer-predisposing syndrome. Last evaluated: 2021-12-13. Review status: criteria provided, single submitter. Criteria: Ambry Variant Classification Scheme 2023. Collection method: clinical testing. Allele origin: germline.

NM_000245.4(MET):c.4110A>G (p.Ser1370=)

Gene: MET (MET proto-oncogene, receptor tyrosine kinase; plus strand). Cytogenetic location: 7q31.2.
Variant type: single nucleotide variant.
Coding change: c.4110A>G on transcript NM_000245.4 (MANE Select); coding-DNA position 4110, A replaced by G.
Protein change: p.Ser1370=; no amino-acid change (serine 1370 retained).
Molecular consequence: synonymous variant.
Genome position (GRCh38, 1-based): chr7:116,796,061, A>G. VCF-style: chr7-116796061-A-G. GRCh37 (hg19) VCF-style: chr7-116436115-A-G.
Other names: c.4164A>G, p.Ser1388= (NM_001127500.3); c.2820A>G, p.Ser940= (NM_001324402.2).
Identifiers: ClinVar variation 1135429 (VCV001135429.12), dbSNP rs1795663778, ClinGen allele CA457462679.